The following is an entry in ClinVar:

ClinVar aggregate classification (germline): Uncertain significance (1 of 4 stars; one submission).

Conditions:
Hereditary factor VIII deficiency disease (HEMA). Also called: HEMOPHILIA, CLASSIC; AUTOSOMAL HEMOPHILIA A; Hemophilia A; Hemophilia A, congenital; HEM A; Factor 8 deficiency, congenital. Identifiers: Orphanet 98878, MedGen C0019069, MONDO:0010602, OMIM 306700.

Submission:

ISTH-SSC Genomics in Thrombosis and Hemostasis, KU Leuven, Center for Molecular and Vascular Biology
Classification: Uncertain significance for Hereditary factor VIII deficiency disease. Review status: criteria provided, single submitter. Criteria: ACMG Guidelines, 2015. Collection method: clinical testing. Allele origin: germline. Affected: yes. Observed: 1 heterozygote.
Comment: Submitted to the GoldVariant database by Kathleen Freson, Center for Molecular and Vascular Biology

NM_000132.4(F8):c.2T>A (p.Met1Lys)

Gene: F8 (coagulation factor VIII; minus strand). Cytogenetic location: Xq28.
Variant type: single nucleotide variant.
Coding change: c.2T>A on transcript NM_000132.4 (MANE Select); coding-DNA position 2, T replaced by A.
Protein change: p.Met1Lys; changes the start codon (methionine 1).
Molecular consequence: missense variant, initiator codon variant.
Genome position (GRCh38, 1-based): chrX:155,022,551, A>T on the plus strand (T>A on the coding strand, the complement: F8 is on the minus strand). VCF-style: chrX-155022551-A-T. GRCh37 (hg19) VCF-style: chrX-154250826-A-T.
Other names: short protein forms M1K.
Identifiers: ClinVar variation 2572150 (VCV002572150.2), dbSNP rs2524003722, ClinGen allele CA414920748.